The following is an entry in ClinVar:

NM_000548.5(TSC2):c.4554C>T (p.Ile1518=)

Gene: TSC2 (TSC complex subunit 2; plus strand). Cytogenetic location: 16p13.3.
Variant type: single nucleotide variant.
Coding change: c.4554C>T on transcript NM_000548.5 (MANE Select); coding-DNA position 4554, C replaced by T.
Protein change: p.Ile1518=; no amino-acid change (isoleucine 1518 retained).
Molecular consequence: synonymous variant.
Genome position (GRCh38, 1-based): chr16:2,085,011, C>T. VCF-style: chr16-2085011-C-T. GRCh37 (hg19) VCF-style: chr16-2135012-C-T.
Other names: c.4353C>T, p.Ile1451= (NM_001077183.3); c.4485C>T, p.Ile1495= (NM_001114382.3); c.4245C>T, p.Ile1415= (NM_001318827.2); c.4209C>T, p.Ile1403= (NM_001318829.2); c.3822C>T, p.Ile1274= (NM_001318831.2); c.4386C>T, p.Ile1462= (NM_001318832.2); c.4356C>T, p.Ile1452= (NM_001363528.2); c.4422C>T, p.Ile1474= (NM_001370404.1); and 1 more.
Identifiers: ClinVar variation 468099 (VCV000468099.19), dbSNP rs1204199739, ClinGen allele CA493043446.

ClinVar aggregate classification (germline): Benign/Likely benign. Review status: criteria provided, multiple submitters, no conflicts (2 of 4 stars). 5 submissions from 5 submitters: Benign (2); Likely benign (3). Last evaluated 2025-11-10.

Conditions:
Hereditary cancer-predisposing syndrome. Also called: Hereditary neoplastic syndrome; Neoplastic Syndromes, Hereditary; Tumor predisposition; Hereditary Cancer Syndrome. Identifiers: Orphanet 140162, MedGen C0027672, MeSH D009386, MONDO:0015356.
Tuberous sclerosis syndrome (TSC). Also called: Tuberous Sclerosis Complex; Tuberous sclerosis. Identifiers: Orphanet 805, MedGen C0041341, MONDO:0001734.
Tuberous sclerosis 2 (TSC2). Identifiers: Orphanet 805, MedGen C1860707, MONDO:0013199, OMIM 613254.

Allele frequency attached by ClinVar (database versions not stated): gnomAD exomes below 0.00001 and 0.00001; TOPMed below 0.00001.

Submissions (5):

Labcorp Genetics (formerly Invitae), Labcorp
Classification: Likely benign for Tuberous sclerosis 2. Last evaluated: 2025-11-10. Review status: criteria provided, single submitter. Criteria: Invitae Variant Classification Sherloc (09022015). Collection method: clinical testing. Allele origin: germline.

Myriad Genetics, Inc.
Classification: Benign for Tuberous sclerosis 2. Last evaluated: 2025-06-04. Review status: criteria provided, single submitter. Criteria: Myriad Autosomal Dominant, Autosomal Recessive and X-Linked Classification Criteria (2023). Collection method: clinical testing. Allele origin: unknown.
Comment: This variant is considered benign. This variant is a silent/synonymous amino acid change and it is not expected to impact splicing.

Color Diagnostics, LLC DBA Color Health
Classification: Likely benign for Tuberous sclerosis syndrome. Last evaluated: 2022-10-09. Review status: criteria provided, single submitter. Criteria: ACMG Guidelines, 2015. Collection method: clinical testing. Allele origin: germline.

Genome-Nilou Lab
Classification: Benign for Tuberous sclerosis 2. Last evaluated: 2021-11-07. Review status: criteria provided, single submitter. Criteria: ACMG Guidelines, 2015. Collection method: clinical testing. Allele origin: germline. Affected: no.

Ambry Genetics
Classification: Likely benign for Hereditary cancer-predisposing syndrome. Last evaluated: 2017-05-09. Review status: criteria provided, single submitter. Criteria: Ambry Variant Classification Scheme 2023. Collection method: clinical testing. Allele origin: germline.